The following is an entry in ClinVar:

NM_001614.5(ACTG1):c.698C>T (p.Ser233Phe)

Gene: ACTG1 (actin gamma 1; minus strand). Cytogenetic location: 17q25.3.
Variant type: single nucleotide variant.
Coding change: c.698C>T on transcript NM_001614.5 (MANE Select); coding-DNA position 698, C replaced by T.
Protein change: p.Ser233Phe; replaces serine 233 with phenylalanine.
Molecular consequence: missense variant. On other transcripts: non-coding transcript variant (1).
Genome position (GRCh38, 1-based): chr17:81,511,292, G>A on the plus strand (C>T on the coding strand, the complement: ACTG1 is on the minus strand). VCF-style: chr17-81511292-G-A. GRCh37 (hg19) VCF-style: chr17-79478318-G-A.
Other names: c.698C>T, p.Ser233Phe (NM_001199954.3); short protein forms S233F.
Identifiers: ClinVar variation 2924802 (VCV002924802.4), dbSNP rs1387098201, ClinGen allele CA401460053.
Genomic context (GRCh38, chr17:81,511,292, plus strand): 5'-TCATTGCCAATGGTGATGACCTGGCCATCGGGCAGCTCGTAGCTCTTCTCCAGAGAAGAG[G>A]AGGATGCGGCGGTGGCCATCTCCTGCTCGAAGTCCAGGGCGACGTAGCACAGCTTCTCCT-3'
Protein context (NP_001605.1, residues 223-243): FEQEMATAAS[Ser233Phe]SSLEKSYELP

ClinVar aggregate classification (germline): Conflicting classifications of pathogenicity. Review status: criteria provided, conflicting classifications (1 of 4 stars). 2 submissions from 2 submitters: Likely pathogenic (1); Uncertain significance (1). Last evaluated 2023-04-09.

Conditions:
Autosomal dominant nonsyndromic hearing loss 20. Identifiers: Orphanet 90635, MedGen C1858172, MONDO:0011480, OMIM 604717.
Baraitser-winter syndrome 2. Identifiers: Orphanet 2995, MedGen C3281235, MONDO:0013812, OMIM 614583.

Allele frequency attached by ClinVar (database versions not stated): gnomAD exomes 0.00001; TOPMed 0.00002; gnomAD 0.00004.

Submissions (2):

Labcorp Genetics (formerly Invitae), Labcorp
Classification: Uncertain significance for Baraitser-winter syndrome 2; Autosomal dominant nonsyndromic hearing loss 20. Last evaluated: 2023-04-09. Review status: criteria provided, single submitter. Criteria: Invitae Variant Classification Sherloc (09022015). Collection method: clinical testing. Allele origin: germline.
Comment: This variant has not been reported in the literature in individuals affected with ACTG1-related conditions. This variant is present in population databases (no rsID available, gnomAD 0.005%). This sequence change replaces serine, which is neutral and polar, with phenylalanine, which is neutral and non-polar, at codon 233 of the ACTG1 protein (p.Ser233Phe). Advanced modeling of protein sequence and biophysical properties (such as structural, functional, and spatial information, amino acid conservation, physicochemical variation, residue mobility, and thermodynamic stability) has been performed at Invitae for this missense variant, however the output from this modeling did not meet the statistical confidence thresholds required to predict the impact of this variant on ACTG1 protein function. In summary, the available evidence is currently insufficient to determine the role of this variant in disease. Therefore, it has been classified as a Variant of Uncertain Significance.

Clinical Genetics Service, Universitary Hospital 12 de Octubre
Classification: Likely pathogenic for Autosomal dominant nonsyndromic hearing loss 20. Review status: criteria provided, single submitter. Criteria: ACMG Guidelines, 2015. Collection method: clinical testing. Allele origin: germline. Affected: yes.